The following is an entry in ClinVar:

ClinVar aggregate classification (germline): Uncertain significance (1 of 4 stars; one submission).

Conditions:
Moyamoya disease 2 (MYMY2). Also called: MOYAMOYA DISEASE 2, SUSCEPTIBILITY TO. Identifiers: Orphanet 2573, MedGen C1846689, MONDO:0011784, OMIM 607151.

Allele frequency attached by ClinVar (database versions not stated): ExAC 0.00001; gnomAD exomes 0.00001; TOPMed 0.00001; ESP Exome Variant Server 0.00008.
gnomAD v4.1: 8 of 1,613,306 alleles (0.0005%); highest among the groups gnomAD compares: African/African-American, 0.0013%; no homozygotes.

Submission:

Labcorp Genetics (formerly Invitae), Labcorp
Classification: Uncertain significance. Last evaluated: 2022-02-11. Review status: criteria provided, single submitter. Criteria: Invitae Variant Classification Sherloc (09022015). Collection method: clinical testing. Allele origin: germline.
Comment: In summary, the available evidence is currently insufficient to determine the role of this variant in disease. Therefore, it has been classified as a Variant of Uncertain Significance. Algorithms developed to predict the effect of missense changes on protein structure and function are either unavailable or do not agree on the potential impact of this missense change (SIFT: "Tolerated"; PolyPhen-2: "Probably Damaging"; Align-GVGD: "Class C0"). This variant has not been reported in the literature in individuals affected with RNF213-related conditions. This variant is present in population databases (rs367799805, gnomAD 0.0009%). This sequence change replaces leucine, which is neutral and non-polar, with proline, which is neutral and non-polar, at codon 4862 of the RNF213 protein (p.Leu4862Pro).

NM_001256071.3(RNF213):c.14585T>C (p.Leu4862Pro)

Genes: RNF213 (ring finger protein 213; plus strand), RNF213-AS1 (RNF213 antisense RNA 1; minus strand), LOC126862664 (CDK7 strongly-dependent group 2 enhancer GRCh37_chr17:78359110-78360309; plus strand). Cytogenetic location: 17q25.3.
Variant type: single nucleotide variant.
Coding change: c.14585T>C on transcript NM_001256071.3 (MANE Select); coding-DNA position 14585, T replaced by C.
Protein change: p.Leu4862Pro; replaces leucine 4862 with proline.
Molecular consequence: missense variant.
Genome position (GRCh38, 1-based): chr17:80,386,295, T>C. VCF-style: chr17-80386295-T-C. GRCh37 (hg19) VCF-style: chr17-78360095-T-C.
Other names: c.14585T>C (NM_001256071.2); c.14732T>C, p.Leu4911Pro (NM_001410195.1, NM_020914.5); short protein forms L4911P, L4862P.
Identifiers: ClinVar variation 1908184 (VCV001908184.6), dbSNP rs367799805, ClinGen allele CA8823008.
Genomic context (GRCh38, chr17:80,386,295, plus strand): 5'-CCCTGTCGTTTAAAGGTGAGATCAACCTACCCAAAGACTACTGCAGCACTGACTTGGATC[T>C]GGACACTGAGTTTGAGATCCTCTTGCCACGCCGACGGGGCCTGGGCCTCTGTGCTACCGC-3'
Protein context (NP_001243000.2, residues 4852-4872): PKDYCSTDLD[Leu4862Pro]DTEFEILLPR